The following is an entry in ClinVar:

NM_000414.4(HSD17B4):c.842A>G (p.Asn281Ser)

Gene: HSD17B4 (hydroxysteroid 17-beta dehydrogenase 4; plus strand). Cytogenetic location: 5q23.1.
Variant type: single nucleotide variant.
Coding change: c.842A>G on transcript NM_000414.4 (MANE Select); coding-DNA position 842, A replaced by G.
Protein change: p.Asn281Ser; replaces asparagine 281 with serine.
Molecular consequence: missense variant. On other transcripts: non-coding transcript variant (2).
Genome position (GRCh38, 1-based): chr5:119,493,920, A>G. VCF-style: chr5-119493920-A-G. GRCh37 (hg19) VCF-style: chr5-118829615-A-G.
Other names: c.917A>G, p.Asn306Ser (NM_001199291.3); c.788A>G, p.Asn263Ser (NM_001199292.2); c.770A>G, p.Asn257Ser (NM_001292027.2); c.422A>G, p.Asn141Ser (NM_001292028.2); c.833A>G, p.Asn278Ser (NM_001374497.1); c.842A>G, p.Asn281Ser (NM_001374498.1); c.515A>G, p.Asn172Ser (NM_001374499.1); c.401A>G, p.Asn134Ser (NM_001374500.1); and 1 more; short protein forms N257S, N278S, N306S, N141S, N263S, N281S, N134S, N144S.
Identifiers: ClinVar variation 1407853 (VCV001407853.6), dbSNP rs1750354718, ClinGen allele CA360867371.
Genomic context (GRCh38, chr5:119,493,920, plus strand): 5'-ATCACCCAATGACTCCTGAGGCAGTCAAGGCTAACTGGAAGAAGATCTGTGACTTTGAGA[A>G]TGCCAGCAAGCCTCAGAGTATCCAAGGTAAAGAGAGTCCCCGTCACTTAGCCCTGGTTGG-3'
Protein context (NP_000405.1, residues 271-291): ANWKKICDFE[Asn281Ser]ASKPQSIQES

ClinVar aggregate classification (germline): Uncertain significance (1 of 4 stars; one submission).

Conditions:
Bifunctional peroxisomal enzyme deficiency (DBIF). Also called: PBFE DEFICIENCY; D-bifunctional protein deficiency; DBP DEFICIENCY. Identifiers: Orphanet 300, MedGen C0342870, MONDO:0009855, OMIM 261515. Disease mechanism: loss of function.
Perrault syndrome. Also called: Gonadal dysgenesis with auditory dysfunction, autosomal recessive inheritance. Identifiers: Orphanet 2855, MedGen C0685838, MONDO:0017312.

Allele frequency attached by ClinVar (database versions not stated): gnomAD exomes below 0.00001; TOPMed below 0.00001.

Submission:

Labcorp Genetics (formerly Invitae), Labcorp
Classification: Uncertain significance for Perrault syndrome; Bifunctional peroxisomal enzyme deficiency. Last evaluated: 2025-07-23. Review status: criteria provided, single submitter. Criteria: Invitae Variant Classification Sherloc (09022015). Collection method: clinical testing. Allele origin: germline.
Comment: This sequence change replaces asparagine, which is neutral and polar, with serine, which is neutral and polar, at codon 281 of the HSD17B4 protein (p.Asn281Ser). This variant is not present in population databases (gnomAD no frequency). This variant has not been reported in the literature in individuals affected with HSD17B4-related conditions. ClinVar contains an entry for this variant (Variation ID: 1407853). Invitae Evidence Modeling of protein sequence and biophysical properties (such as structural, functional, and spatial information, amino acid conservation, physicochemical variation, residue mobility, and thermodynamic stability) has been performed for this missense variant. However, the output from this modeling did not meet the statistical confidence thresholds required to predict the impact of this variant on HSD17B4 protein function. In summary, the available evidence is currently insufficient to determine the role of this variant in disease. Therefore, it has been classified as a Variant of Uncertain Significance.